The following is an entry in ClinVar:

NM_031418.4(ANO3):c.1671+4A>C

Gene: ANO3 (anoctamin 3; plus strand). Cytogenetic location: 11p14.2.
Variant type: single nucleotide variant.
Coding change: c.1671+4A>C on transcript NM_031418.4 (MANE Select); 4 bases into the intron after coding-DNA position 1671, A replaced by C.
Molecular consequence: intron variant.
Genome position (GRCh38, 1-based): chr11:26,599,002, A>C. VCF-style: chr11-26599002-A-C. GRCh37 (hg19) VCF-style: chr11-26620549-A-C.
Other names: c.1854+4A>C (NM_001313726.2); c.1233+4A>C (NM_001313727.2).
Identifiers: ClinVar variation 4715922 (VCV004715922.1).

ClinVar aggregate classification (germline): Uncertain significance (1 of 4 stars; one submission).

Conditions:
Dystonic disorder. Also called: Dystonia. Identifiers: MedGen C0013421, MONDO:0003441, HP:0001332.

Submission:

Labcorp Genetics (formerly Invitae), Labcorp
Classification: Uncertain significance for Dystonic disorder. Last evaluated: 2025-07-01. Review status: criteria provided, single submitter. Criteria: Invitae Variant Classification Sherloc (09022015). Collection method: clinical testing. Allele origin: germline.
Comment: This sequence change falls in intron 16 of the ANO3 gene. It does not directly change the encoded amino acid sequence of the ANO3 protein. It affects a nucleotide within the consensus splice site. This variant is not present in population databases (gnomAD no frequency). This variant has not been reported in the literature in individuals affected with ANO3-related conditions. Variants that disrupt the consensus splice site are a relatively common cause of aberrant splicing (PMID: 17576681, 9536098). Algorithms developed to predict the effect of sequence changes on RNA splicing suggest that this variant may disrupt the consensus splice site. In summary, the available evidence is currently insufficient to determine the role of this variant in disease. Therefore, it has been classified as a Variant of Uncertain Significance.

Literature cited by the submitters: PubMed 17576681; PubMed 9536098.